The following is an entry in ClinVar:

NM_000088.4(COL1A1):c.428C>G (p.Pro143Arg)

Gene: COL1A1 (collagen type I alpha 1 chain; minus strand). Cytogenetic location: 17q21.33.
Variant type: single nucleotide variant.
Coding change: c.428C>G on transcript NM_000088.4 (MANE Select); coding-DNA position 428, C replaced by G.
Protein change: p.Pro143Arg; replaces proline 143 with arginine.
Molecular consequence: missense variant.
Genome position (GRCh38, 1-based): chr17:50,199,269, G>C on the plus strand (C>G on the coding strand, the complement: COL1A1 is on the minus strand). VCF-style: chr17-50199269-G-C. GRCh37 (hg19) VCF-style: chr17-48276630-G-C.
Other names: short protein forms P143R.
Identifiers: ClinVar variation 1406660 (VCV001406660.15), dbSNP rs941273260, ClinGen allele CA400227350.

ClinVar aggregate classification (germline): Conflicting classifications of pathogenicity. Review status: criteria provided, conflicting classifications (1 of 4 stars). 5 submissions from 5 submitters: Uncertain significance (4); Likely benign (1). Last evaluated 2026-04-28.

Conditions:
Cardiovascular phenotype. Identifiers: MedGen CN230736.
COL1A1-related disorder. Also called: COL1A1-related condition; COL1A1- related disease.
Osteogenesis imperfecta type I (OI1). Also called: OI, TYPE I; OSTEOGENESIS IMPERFECTA TARDA; OSTEOGENESIS IMPERFECTA WITH BLUE SCLERAE; Osteogenesis imperfecta type 1; Lobstein's Disease; Lobstein disease. Identifiers: Orphanet 216796, Orphanet 666, MedGen C0023931, MONDO:0008146, OMIM 166200. Disease mechanism: loss of function.

Allele frequency attached by ClinVar (database versions not stated): gnomAD 0.00004.

Submissions (5):

Women's Health and Genetics/Laboratory Corporation of America, LabCorp
Classification: Uncertain significance. Last evaluated: 2026-04-28. Review status: criteria provided, single submitter. Criteria: LabCorp Variant Classification Summary - May 2015. Collection method: clinical testing. Allele origin: germline.
Comment: Variant summary: COL1A1 c.428C>G (p.Pro143Arg) results in a non-conservative amino acid change in the encoded protein sequence. Algorithms developed to predict the effect of missense changes on protein structure and function all suggest that this variant is likely to be disruptive. The variant allele was found at a frequency of 3.4e-05 in 116256 control chromosomes. The available data on variant occurrences in the general population are insufficient to allow any conclusion about variant significance. To our knowledge, no occurrence of c.428C>G in individuals affected with COL1A1-related conditions and no experimental evidence demonstrating its impact on protein function have been reported. ClinVar contains an entry for this variant (Variation ID: 1406660). Based on the evidence outlined above, the variant was classified as uncertain significance.

Labcorp Genetics (formerly Invitae), Labcorp
Classification: Likely benign for Osteogenesis imperfecta type I. Last evaluated: 2025-09-21. Review status: criteria provided, single submitter. Criteria: Invitae Variant Classification Sherloc (09022015). Collection method: clinical testing. Allele origin: germline.

PreventionGenetics, part of Exact Sciences
Classification: Uncertain significance for COL1A1-related condition. Last evaluated: 2025-02-17. Review status: criteria provided, single submitter. Criteria: ACMG Guidelines, 2015. Collection method: clinical testing. Allele origin: germline.
Comment: The COL1A1 c.428C>G variant is predicted to result in the amino acid substitution p.Pro143Arg. To our knowledge, this variant has not been reported in the literature. This variant is reported in 0.0074% of alleles in individuals of European (Non-Finnish) descent in gnomAD. At this time, the clinical significance of this variant is uncertain due to the absence of conclusive functional and genetic evidence.

Ambry Genetics
Classification: Uncertain significance for Cardiovascular phenotype. Last evaluated: 2023-08-23. Review status: criteria provided, single submitter. Criteria: Ambry Variant Classification Scheme 2023. Collection method: clinical testing. Allele origin: germline.
Comment: The p.P143R variant (also known as c.428C>G), located in coding exon 5 of the COL1A1 gene, results from a C to G substitution at nucleotide position 428. The proline at codon 143 is replaced by arginine, an amino acid with dissimilar properties. This amino acid position is highly conserved in available vertebrate species. In addition, the in silico prediction for this alteration is inconclusive. Since supporting evidence is limited at this time, the clinical significance of this alteration remains unclear.

GeneDx
Classification: Uncertain significance. Last evaluated: 2023-03-30. Review status: criteria provided, single submitter. Criteria: GeneDx Variant Classification Process June 2021. Collection method: clinical testing. Allele origin: germline. Affected: yes.
Comment: Has not been previously published as pathogenic or benign to our knowledge; Not located in the triple helical region, where the majority of pathogenic missense variants occur (HGMD); In silico analysis supports that this missense variant has a deleterious effect on protein structure/function